The following is an entry in ClinVar:

ClinVar aggregate classification (germline): Uncertain significance (1 of 4 stars; one submission).

Submission:

Labcorp Genetics (formerly Invitae), Labcorp
Classification: Uncertain significance. Last evaluated: 2022-08-31. Review status: criteria provided, single submitter. Criteria: Invitae Variant Classification Sherloc (09022015). Collection method: clinical testing. Allele origin: germline.
Comment: This variant is not present in population databases (gnomAD no frequency). This variant has not been reported in the literature in individuals affected with POLE-related conditions. This sequence change replaces alanine, which is neutral and non-polar, with threonine, which is neutral and polar, at codon 1022 of the POLE protein (p.Ala1022Thr). Algorithms developed to predict the effect of missense changes on protein structure and function are either unavailable or do not agree on the potential impact of this missense change (SIFT: "Tolerated"; PolyPhen-2: "Possibly Damaging"; Align-GVGD: "Class C0"). Algorithms developed to predict the effect of sequence changes on RNA splicing suggest that this variant may disrupt the consensus splice site. In summary, the available evidence is currently insufficient to determine the role of this variant in disease. Therefore, it has been classified as a Variant of Uncertain Significance.

NM_006231.4(POLE):c.3064G>A (p.Ala1022Thr)

Gene: POLE (DNA polymerase epsilon, catalytic subunit; minus strand). Cytogenetic location: 12q24.33.
Variant type: single nucleotide variant.
Coding change: c.3064G>A on transcript NM_006231.4 (MANE Select); coding-DNA position 3064, G replaced by A.
Protein change: p.Ala1022Thr; replaces alanine 1022 with threonine.
Molecular consequence: missense variant.
Genome position (GRCh38, 1-based): chr12:132,659,506, C>T on the plus strand (G>A on the coding strand, the complement: POLE is on the minus strand). VCF-style: chr12-132659506-C-T. GRCh37 (hg19) VCF-style: chr12-133236092-C-T.
Other names: short protein forms A1022T.
Identifiers: ClinVar variation 2093969 (VCV002093969.4), dbSNP rs2138679300, ClinGen allele CA387391920.